The following is an entry in ClinVar:

NM_000138.5(FBN1):c.766C>T (p.Leu256Phe)

Gene: FBN1 (fibrillin 1; minus strand). Cytogenetic location: 15q21.1.
Variant type: single nucleotide variant.
Coding change: c.766C>T on transcript NM_000138.5 (MANE Select); coding-DNA position 766, C replaced by T.
Protein change: p.Leu256Phe; replaces leucine 256 with phenylalanine.
Molecular consequence: missense variant.
Genome position (GRCh38, 1-based): chr15:48,534,176, G>A on the plus strand (C>T on the coding strand, the complement: FBN1 is on the minus strand). VCF-style: chr15-48534176-G-A. GRCh37 (hg19) VCF-style: chr15-48826373-G-A.
Other names: c.766C>T, p.Leu256Phe (NM_001406716.1, NM_001406717.1); short protein forms L256F.
Identifiers: ClinVar variation 4758997 (VCV004758997.1).

ClinVar aggregate classification (germline): Uncertain significance (1 of 4 stars; one submission).

Conditions:
Familial thoracic aortic aneurysm and aortic dissection (TAAD). Also called: Thoracic aortic aneurysms and dissections. Identifiers: Orphanet 91387, MedGen C4707243, MONDO:0019625.

Submission:

Color Diagnostics, LLC DBA Color Health
Classification: Uncertain significance for Familial thoracic aortic aneurysm and aortic dissection. Last evaluated: 2025-07-20. Review status: criteria provided, single submitter. Criteria: ACMG Guidelines, 2015. Collection method: clinical testing. Allele origin: germline.
Comment: This missense variant replaces leucine with phenylalanine at codon 256 of the FBN1 protein. Computational prediction is inconclusive regarding the impact of this variant on protein structure and function. To our knowledge, functional studies have not been reported for this variant. This variant has not been reported in individuals affected with FBN1-related disorders in the literature. This variant has not been identified in the general population by the Genome Aggregation Database (gnomAD). The available evidence is insufficient to determine the role of this variant in disease conclusively. Therefore, this variant is classified as a Variant of Uncertain Significance.